The following is an entry in ClinVar:

ClinVar aggregate classification (germline): Uncertain significance (1 of 4 stars; one submission).

Submission:

Ambry Genetics
Classification: Uncertain significance. Last evaluated: 2025-10-28. Review status: criteria provided, single submitter. Criteria: Ambry Variant Classification Scheme 2023. Collection method: clinical testing. Allele origin: germline.
Comment: The p.L210Q variant (also known as c.629T>A), located in coding exon 3 of the GFI1 gene, results from a T to A substitution at nucleotide position 629. The leucine at codon 210 is replaced by glutamine, an amino acid with dissimilar properties. This amino acid position is conserved. In addition, this alteration is predicted to be tolerated by in silico analysis. Based on the available evidence, the clinical significance of this variant remains unclear.

NM_005263.5(GFI1):c.629T>A (p.Leu210Gln)

Gene: GFI1 (growth factor independent 1 transcriptional repressor; minus strand). Cytogenetic location: 1p22.1.
Variant type: single nucleotide variant.
Coding change: c.629T>A on transcript NM_005263.5 (MANE Select); coding-DNA position 629, T replaced by A.
Protein change: p.Leu210Gln; replaces leucine 210 with glutamine.
Molecular consequence: missense variant.
Genome position (GRCh38, 1-based): chr1:92,480,758, A>T on the plus strand (T>A on the coding strand, the complement: GFI1 is on the minus strand). VCF-style: chr1-92480758-A-T. GRCh37 (hg19) VCF-style: chr1-92946315-A-T.
Other names: c.629T>A, p.Leu210Gln (NM_001127215.3, NM_001127216.3); short protein forms L210Q.
Identifiers: ClinVar variation 4671585 (VCV004671585.1).
Genomic context (GRCh38, chr1:92,480,758, plus strand): 5'-TGCAGCCCGTGGCCACGCTCGGGGTACAGCAAGCCCGCCGCTGCCGTGGGCCTCTCATAC[A>T]GCCCGGCTGCCGCAGACCCGAAGTCGCCGTAGAGCCCTAGGCCAGGGCCAGCGGTGGCAC-3'
Protein context (NP_005254.2, residues 200-220): YGDFGSAAAG[Leu210Gln]YERPTAAAGL